The following is an entry in ClinVar:

ClinVar aggregate classification (germline): Uncertain significance (1 of 4 stars; one submission).

Conditions:
Developmental and epileptic encephalopathy. Identifiers: MedGen C5779964, MONDO:0100620.

Submission:

Labcorp Genetics (formerly Invitae), Labcorp
Classification: Uncertain significance for Early-infantile DEE. Last evaluated: 2023-08-17. Review status: criteria provided, single submitter. Criteria: Invitae Variant Classification Sherloc (09022015). Collection method: clinical testing. Allele origin: unknown.
Comment: In summary, the available evidence is currently insufficient to determine the role of this variant in disease. Therefore, it has been classified as a Variant of Uncertain Significance. This variant has not been reported in the literature in individuals affected with KCNQ2-related conditions. This variant results in a copy number gain of the genomic region encompassing exon(s) 16-17 of the KCNQ2 gene. This region includes the termination codon of the gene. This copy number gain extends beyond the assayed region for this gene and therefore may encompass additional genes. As the precise location of this event is unknown, it may be in tandem or it may be located elsewhere in the genome.

NC_000020.10:g.(?_62037997)_(62039909_?)dup

Gene: KCNQ2 (potassium voltage-gated channel subfamily Q member 2; minus strand). Cytogenetic location: 20q13.33.
Variant type: Duplication.
Identifiers: ClinVar variation 3248250 (VCV003248250.1).